The following is an entry in ClinVar:

NM_144997.7(FLCN):c.-227-11dup

Gene: FLCN (folliculin; minus strand). Cytogenetic location: 17p11.2.
Variant type: Duplication.
Coding change: c.-227-11dup on transcript NM_144997.7 (MANE Select); 11 bases into the intron before 227 bases upstream of the start codon, one base duplicated (C; older notation c.-227-11dupC).
Molecular consequence: intron variant.
Genome position (GRCh38, 1-based): chr17:17,232,912, G duplicated on the plus strand (C on the coding strand, the reverse complement: FLCN is on the minus strand). VCF-style (leftmost placement, unchanged base first): chr17-17232911-A-AG. GRCh37 (hg19) VCF-style: chr17-17136225-A-AG.
Other names: c.-426-11dup (NM_001353231.2); c.-510-11dup (NM_001353230.2); c.-227-11dup (NM_001353229.2, NM_144606.7).
Identifiers: ClinVar variation 1692071 (VCV001692071.1), dbSNP rs1205257074, ClinGen allele CA726597928.
Genomic context (GRCh38, chr17:17,232,911, plus strand): 5'-CAAATGGGTCAGGCATGGTGGTGGCAGACACCCTTGAAGACCTGGCGTTTTCTAGGTAAG[A>AG]GAAAAAAAAAATTAGAGCTATTTCTAAGATTAGAGGCCTTCGTAGCATGAAAAATAATGG-3'

ClinVar aggregate classification (germline): Uncertain significance (1 of 4 stars; one submission).

Conditions:
Hereditary cancer-predisposing syndrome. Also called: Hereditary Cancer Syndrome; Hereditary neoplastic syndrome; Neoplastic Syndromes, Hereditary; Tumor predisposition. Identifiers: Orphanet 140162, MedGen C0027672, MeSH D009386, MONDO:0015356.

Allele frequency attached by ClinVar (database versions not stated): TOPMed below 0.00001.

Submission:

Sema4
Classification: Uncertain significance for Hereditary cancer-predisposing syndrome. Last evaluated: 2022-03-18. Review status: criteria provided, single submitter. Criteria: Sema4 Curation Guidelines. Collection method: curation. Allele origin: germline.
Comment: The FLCN c.-227-11dupC variant has not been reported in the literature to our knowledge. It was not observed in the Genome Aggregation Database (PMID: 32461654). This variant has not been reported in ClinVar. In silico tools that predict the effect of sequence changes on splicing suggest that this variant does not impact splicing, though these predictions have not been confirmed by functional studies. The evidence is insufficient to meet ACMG/AMP criteria for classifying the variant as benign or pathogenic. Thus, the clinical significance of this variant is currently uncertain.